The following is an entry in ClinVar:

ClinVar aggregate classification (germline): Pathogenic/Likely pathogenic. Review status: criteria provided, multiple submitters, no conflicts (2 of 4 stars). 5 submissions from 5 submitters: Pathogenic (2); Likely pathogenic (3). Last evaluated 2025-10-16.

Conditions:
Elliptocytosis 3 (EL3). Identifiers: MedGen C1866810, MONDO:0054780, OMIM 617948.
Hereditary spherocytosis type 2. Also called: SPHEROCYTOSIS, TYPE 2, AUTOSOMAL DOMINANT. Identifiers: Orphanet 822, MedGen C2674219, MONDO:0000913, OMIM 616649.

gnomAD v4.1: 1 of 1,613,998 alleles (0.000062%); no homozygotes.

Submissions (5):

3billion
Classification: Likely pathogenic for Elliptocytosis 3. Last evaluated: 2025-10-16. Review status: criteria provided, single submitter. Criteria: ACMG Guidelines, 2015. Collection method: clinical testing. Allele origin: germline. Affected: yes.
Comment: The variant is observed at an extremely low frequency in the gnomAD v4.1.0 dataset (total allele frequency: <0.001%). Predicted Consequence/Location: Missense variant The same nucleotide change resulting in the same amino acid change has been previously reported as pathogenic/likely pathogenic with strong evidence (ClinVar ID: VCV001325130 /PMID: 30198572). A different missense change at the same codon (p.Glu2075Gln) has been reported to be associated with SPTB-related disorder (PMID: 34117698). Therefore, this variant is classified as Likely pathogenic according to the recommendation of ACMG/AMP guideline.

First Genomix Gene Laboratory, Genetic Diagnostics Department
Classification: Likely pathogenic for Elliptocytosis 3. Last evaluated: 2025-04-14. Review status: criteria provided, single submitter. Criteria: ACMG Guidelines, 2015. Collection method: clinical testing. Allele origin: germline. Inheritance: Autosomal recessive inheritance. Affected: no. Observed: 1 variant allele.

Revvity Omics, Revvity
Classification: Likely pathogenic. Last evaluated: 2024-05-06. Review status: criteria provided, single submitter. Criteria: ACMG Guidelines, 2015. Collection method: clinical testing. Allele origin: germline.

Labcorp Genetics (formerly Invitae), Labcorp
Classification: Pathogenic. Last evaluated: 2022-05-27. Review status: criteria provided, single submitter. Criteria: Invitae Variant Classification Sherloc (09022015). Collection method: clinical testing. Allele origin: germline.
Comment: ClinVar contains an entry for this variant (Variation ID: 1325130). For these reasons, this variant has been classified as Pathogenic. Algorithms developed to predict the effect of missense changes on protein structure and function are either unavailable or do not agree on the potential impact of this missense change (SIFT: "Deleterious"; PolyPhen-2: "Probably Damaging"; Align-GVGD: "Class C0"). This variant is also known as spectrin Chiang Mai. This missense change has been observed in individual(s) with neonatal nonimmune hemolytic anemia (PMID: 30198572; Invitae). In at least one individual the data is consistent with being in trans (on the opposite chromosome) from a pathogenic variant. This variant is not present in population databases (gnomAD no frequency). This sequence change replaces glutamic acid, which is acidic and polar, with glycine, which is neutral and non-polar, at codon 2075 of the SPTB protein (p.Glu2075Gly).

Juno Genomics, Hangzhou Juno Genomics, Inc
Classification: Pathogenic for Elliptocytosis 3; Hereditary spherocytosis type 2. Review status: criteria provided, single submitter. Criteria: ACMG Guidelines, 2015. Collection method: clinical testing. Allele origin: germline.
Comment: Absent from controls (or at extremely low frequency if recessive) in Genome Aggregation Database.;For recessive disorders, detected in trans with a pathogenic variant.;Patient's phenotype or family history is highly specific for a disease with a single genetic etiology.

Literature cited by the submitters: PubMed 30198572 (cited by 3billion and Labcorp Genetics (formerly Invitae), Labcorp); PubMed 34117698 (cited by 3billion).

NM_001355436.2(SPTB):c.6224A>G (p.Glu2075Gly)

Gene: SPTB (spectrin beta, erythrocytic; minus strand). Cytogenetic location: 14q23.3.
Variant type: single nucleotide variant.
Coding change: c.6224A>G on transcript NM_001355436.2 (MANE Select); coding-DNA position 6224, A replaced by G.
Protein change: p.Glu2075Gly; replaces glutamic acid 2075 with glycine.
Molecular consequence: missense variant.
Genome position (GRCh38, 1-based): chr14:64,767,348, T>C on the plus strand (A>G on the coding strand, the complement: SPTB is on the minus strand). VCF-style: chr14-64767348-T-C. GRCh37 (hg19) VCF-style: chr14-65234066-T-C.
Other names: c.6224A>G, p.Glu2075Gly (NM_001355437.2, NM_001024858.4); short protein forms E2075G.
Identifiers: ClinVar variation 1325130 (VCV001325130.11), dbSNP rs1235889026, ClinGen allele CA390039137.